The following is an entry in ClinVar:

ClinVar aggregate classification (germline): Uncertain significance (1 of 4 stars; one submission).

Conditions:
RASopathy. Also called: rasopathies; Noonan spectrum disorder. Identifiers: Orphanet 536391, MedGen C5555857, MONDO:0021060.

gnomAD v4.1: 2 of 1,613,248 alleles (0.00012%); highest among the groups gnomAD compares: Non-Finnish European, 0.00017%; no homozygotes.

Submission:

Labcorp Genetics (formerly Invitae), Labcorp
Classification: Uncertain significance for RASopathy. Last evaluated: 2025-09-24. Review status: criteria provided, single submitter. Criteria: Invitae Variant Classification Sherloc (09022015). Collection method: clinical testing. Allele origin: germline.
Comment: This sequence change replaces aspartic acid, which is acidic and polar, with glutamic acid, which is acidic and polar, at codon 132 of the KRAS protein (p.Asp132Glu). This variant is not present in population databases (gnomAD no frequency). This variant has not been reported in the literature in individuals affected with KRAS-related conditions. Invitae Evidence Modeling of protein sequence and biophysical properties (such as structural, functional, and spatial information, amino acid conservation, physicochemical variation, residue mobility, and thermodynamic stability) indicates that this missense variant is not expected to disrupt KRAS protein function with a negative predictive value of 95%. In summary, the available evidence is currently insufficient to determine the role of this variant in disease. Therefore, it has been classified as a Variant of Uncertain Significance.

NM_004985.5(KRAS):c.396C>G (p.Asp132Glu)

Gene: KRAS (KRAS proto-oncogene, GTPase; minus strand). Cytogenetic location: 12p12.1.
Variant type: single nucleotide variant.
Coding change: c.396C>G on transcript NM_004985.5 (MANE Select); coding-DNA position 396, C replaced by G.
Protein change: p.Asp132Glu; replaces aspartic acid 132 with glutamic acid.
Molecular consequence: missense variant.
Genome position (GRCh38, 1-based): chr12:25,225,668, G>C on the plus strand (C>G on the coding strand, the complement: KRAS is on the minus strand). VCF-style: chr12-25225668-G-C. GRCh37 (hg19) VCF-style: chr12-25378602-G-C.
Other names: c.396C>G, p.Asp132Glu (NM_001369786.1, NM_001369787.1, NM_033360.4); short protein forms D132E.
Identifiers: ClinVar variation 4705469 (VCV004705469.1).